The following is an entry in ClinVar:

NM_031418.4(ANO3):c.1795G>C (p.Ala599Pro)

Gene: ANO3 (anoctamin 3; plus strand). Cytogenetic location: 11p14.2.
Variant type: single nucleotide variant.
Coding change: c.1795G>C on transcript NM_031418.4 (MANE Select); coding-DNA position 1795, G replaced by C.
Protein change: p.Ala599Pro; replaces alanine 599 with proline.
Molecular consequence: missense variant.
Genome position (GRCh38, 1-based): chr11:26,599,673, G>C. VCF-style: chr11-26599673-G-C. GRCh37 (hg19) VCF-style: chr11-26621220-G-C.
Other names: c.1978G>C, p.Ala660Pro (NM_001313726.2); c.1357G>C, p.Ala453Pro (NM_001313727.2); short protein forms A599P, A660P, A453P.
Identifiers: ClinVar variation 526211 (VCV000526211.1), dbSNP rs1554976231, ClinGen allele CA379941888.

ClinVar aggregate classification (germline): Uncertain significance (1 of 4 stars; one submission).

Conditions:
Dystonic disorder. Also called: Dystonia. Identifiers: MedGen C0013421, MONDO:0003441, HP:0001332.

Allele frequency attached by ClinVar (database versions not stated): gnomAD exomes below 0.00001.
gnomAD v4.1: 1 of 1,614,040 alleles (0.000062%); highest among the groups gnomAD compares: Non-Finnish European, 0.000085%; no homozygotes.

Submission:

Labcorp Genetics (formerly Invitae), Labcorp
Classification: Uncertain significance for Dystonic disorder. Last evaluated: 2017-12-15. Review status: criteria provided, single submitter. Criteria: Invitae Variant Classification Sherloc (09022015). Collection method: clinical testing. Allele origin: germline.
Comment: This sequence change replaces alanine with proline at codon 599 of the ANO3 protein (p.Ala599Pro). The alanine residue is weakly conserved and there is a small physicochemical difference between alanine and proline. This variant is not present in population databases (ExAC no frequency). This variant has not been reported in the literature in individuals with ANO3-related disease. Algorithms developed to predict the effect of missense changes on protein structure and function do not agree on the potential impact of this missense change (SIFT: "Tolerated"; PolyPhen-2: "Possibly Damaging"; Align-GVGD: "Class C0"). In summary, the available evidence is currently insufficient to determine the role of this variant in disease. Therefore, it has been classified as a Variant of Uncertain Significance.